The following is an entry in ClinVar:

ClinVar aggregate classification (germline): Uncertain significance. Review status: criteria provided, single submitter (1 of 4 stars). 2 submissions from 2 submitters: Uncertain significance (1). 1 of the submissions does not count toward it. Last evaluated 2018-10-15.

Conditions:
Spinocerebellar ataxia 46. Also called: SPINOCEREBELLAR ATAXIA, 46, AUTOSOMAL DOMINANT, WITH SENSORY AXONAL NEUROPATHY. Identifiers: Orphanet 589522, MedGen C4540404, MONDO:0033481, OMIM 617770.

Allele frequency attached by ClinVar (database versions not stated): gnomAD exomes below 0.00001; TOPMed below 0.00001; gnomAD 0.00001.
gnomAD v4.1: 11 of 1,614,056 alleles (0.00068%); highest among the groups gnomAD compares: Non-Finnish European, 0.00076%; no homozygotes.

Submissions (2):

SIB Swiss Institute of Bioinformatics
Classification: Uncertain significance for Spinocerebellar ataxia 46. Last evaluated: 2018-10-15. Review status: criteria provided, single submitter. Criteria: ACMG Guidelines, 2015. Collection method: curation. Allele origin: germline.
Comment: This variant is interpreted as Uncertain Significance - Insufficient Evidence, for Spinocerebellar ataxia 46, autosomal dominant. The following ACMG Tag(s) were applied: PM2 => Absent from controls (or at extremely low frequency if recessive) in Exome Sequencing Project, 1000 Genomes Project, or Exome Aggregation Consortium. PP3 => Multiple lines of computational evidence support a deleterious effect on the gene or gene product. PS3-Moderate => PS3 downgraded in strength to Moderate (PubMed 29053796).

OMIM
Classification: Pathogenic for SPINOCEREBELLAR ATAXIA 46 (1 family). Last evaluated: 2025-09-12. Review status: no assertion criteria provided. Collection method: literature only. Allele origin: germline. Not counted in ClinVar's aggregate classification.

Literature cited by the submitters: PubMed 29053796 (cited by SIB Swiss Institute of Bioinformatics and OMIM); PubMed 8595484 (cited by OMIM); Hamosh, A. Personal Communication. 2017. Baltimore, Md. (cited by OMIM).

NM_012268.4(PLD3):c.923T>C (p.Leu308Pro)

Gene: PLD3 (phospholipase D family member 3; plus strand). Cytogenetic location: 19q13.2.
Variant type: single nucleotide variant.
Coding change: c.923T>C on transcript NM_012268.4 (MANE Select); coding-DNA position 923, T replaced by C.
Protein change: p.Leu308Pro; replaces leucine 308 with proline.
Molecular consequence: missense variant.
Genome position (GRCh38, 1-based): chr19:40,374,524, T>C. VCF-style: chr19-40374524-T-C. GRCh37 (hg19) VCF-style: chr19-40880431-T-C.
Other names: c.923T>C, p.Leu308Pro (NM_001031696.4, NM_001291311.2); short protein forms L308P.
Identifiers: ClinVar variation 446268 (VCV000446268.5), dbSNP rs537053537, ClinGen allele CA308392236.